The following is an entry in ClinVar:

NM_001004356.3(FGFRL1):c.1457C>G (p.Ser486Cys)

Gene: FGFRL1 (fibroblast growth factor receptor like 1; plus strand). Cytogenetic location: 4p16.3.
Variant type: single nucleotide variant.
Coding change: c.1457C>G on transcript NM_001004356.3 (MANE Select); coding-DNA position 1457, C replaced by G.
Protein change: p.Ser486Cys; replaces serine 486 with cysteine.
Molecular consequence: missense variant.
Genome position (GRCh38, 1-based): chr4:1,025,289, C>G. VCF-style: chr4-1025289-C-G. GRCh37 (hg19) VCF-style: chr4-1019077-C-G.
Other names: c.1457C>G, p.Ser486Cys (NM_001004358.1, NM_001370296.1, NM_021923.3); short protein forms S486C.
Identifiers: ClinVar variation 1371373 (VCV001371373.6), dbSNP rs199548478, ClinGen allele CA2803132.

ClinVar aggregate classification (germline): Uncertain significance (1 of 4 stars; one submission).

Allele frequency attached by ClinVar (database versions not stated): gnomAD exomes 0.00007 and 0.00012; ExAC 0.00024; gnomAD 0.00052 and 0.00053; ESP Exome Variant Server 0.00054; TOPMed 0.00061; 1000 Genomes Project 30x 0.00062; 1000 Genomes Project 0.00080.

Submission:

Labcorp Genetics (formerly Invitae), Labcorp
Classification: Uncertain significance. Last evaluated: 2024-01-17. Review status: criteria provided, single submitter. Criteria: Invitae Variant Classification Sherloc (09022015). Collection method: clinical testing. Allele origin: germline.
Comment: This sequence change replaces serine, which is neutral and polar, with cysteine, which is neutral and slightly polar, at codon 486 of the FGFRL1 protein (p.Ser486Cys). The frequency data for this variant in the population databases is considered unreliable, as metrics indicate poor data quality at this position in the gnomAD database. This variant has not been reported in the literature in individuals affected with FGFRL1-related conditions. ClinVar contains an entry for this variant (Variation ID: 1371373). An algorithm developed to predict the effect of missense changes on protein structure and function (PolyPhen-2) suggests that this variant is likely to be disruptive. In summary, the available evidence is currently insufficient to determine the role of this variant in disease. Therefore, it has been classified as a Variant of Uncertain Significance.